The following is an entry in ClinVar:

NM_170707.4(LMNA):c.357-2A>G

Genes: LMNA (lamin A/C; plus strand), LOC126805877 (MED14-independent group 3 enhancer GRCh37_chr1:156099693-156100892; plus strand). Cytogenetic location: 1q22.
Variant type: single nucleotide variant.
Coding change: c.357-2A>G on transcript NM_170707.4 (MANE Select); the canonical splice acceptor site of the intron before coding-DNA position 357, A replaced by G.
Molecular consequence: splice acceptor variant. On other transcripts: intron variant (4).
Genome position (GRCh38, 1-based): chr1:156,130,615, A>G. VCF-style: chr1-156130615-A-G. GRCh37 (hg19) VCF-style: chr1-156100406-A-G.
Other names: c.357-2A>G (NM_001406983.1, NM_001282625.2, NM_001406984.1 and 7 more transcripts); c.-45-3788A>G (NM_001407002.1, NM_001406995.1, NM_001406990.1); c.-202-2A>G (NM_001406993.1, NM_001407003.1, NM_001406996.1 and 1 more transcripts); c.-308-2A>G (NM_001406999.1, NM_001407000.1, NM_001406994.1); c.114-2A>G (NM_001406986.1, NM_001406987.1, NM_001282624.2); c.-151-3788A>G (NM_001407001.1); c.21-2A>G (NM_001406989.1, NM_001257374.3, NM_001406998.1); c.60-2A>G (NM_001406988.1).
Identifiers: ClinVar variation 652066 (VCV000652066.9), dbSNP rs113610699, ClinGen allele CA342814936.
Genomic context (GRCh38, chr1:156,130,615, plus strand): 5'-CCTGGCACTGTCTAGGCACACAGACTCCTTCTCTTAAATCTACTCTCCCCTCTCTTCTTT[A>G]GCAATACCAAGAAGGAGGGTGACCTGATAGCTGCTCAGGCTCGGCTGAAGGACCTGGAGG-3'

ClinVar aggregate classification (germline): Pathogenic/Likely pathogenic. Review status: criteria provided, multiple submitters, no conflicts (2 of 4 stars). 2 submissions from 2 submitters: Pathogenic (1); Likely pathogenic (1). Last evaluated 2025-09-05.

Conditions:
Charcot-Marie-Tooth disease type 2. Also called: Charcot-Marie-Tooth type 2. Identifiers: Orphanet 64746, MedGen C0270914, MONDO:0018993.
Cardiovascular phenotype. Identifiers: MedGen CN230736.

Allele frequency attached by ClinVar (database versions not stated): gnomAD exomes below 0.00001.

Submissions (3):

Labcorp Genetics (formerly Invitae), Labcorp
Classification: Pathogenic for Charcot-Marie-Tooth disease type 2. Last evaluated: 2025-09-05. Review status: criteria provided, single submitter. Criteria: Invitae Variant Classification Sherloc (09022015). Collection method: clinical testing. Allele origin: germline.
Comment: This sequence change affects an acceptor splice site in intron 1 of the LMNA gene. RNA analysis indicates that disruption of this splice site induces altered splicing and may result in an absent or altered protein product. This variant is not present in population databases (gnomAD no frequency). Disruption of this splice site has been observed in individual(s) with autosomal dominant laminopathy (PMID: 27182706). It has also been observed to segregate with disease in related individuals. ClinVar contains an entry for this variant (Variation ID: 652066). Studies have shown that disruption of this splice site results in skipping of exon 2, and produces a non-functional protein and/or introduces a premature termination codon (PMID: 27182706). For these reasons, this variant has been classified as Pathogenic.

Ambry Genetics
Classification: Likely pathogenic for Cardiovascular phenotype. Last evaluated: 2025-06-18. Review status: criteria provided, single submitter. Criteria: Ambry Variant Classification Scheme 2023. Collection method: clinical testing. Allele origin: germline.
Comment: The c.357-2A>G intronic variant results from an A to G substitution two nucleotides upstream from coding exon 2 in the LMNA gene. This variant segregated with disease in at least one family with features consistent with LMNA-related laminopathy (Zaragoza MV et al. PLoS One, 2016 May;11:e0155421). This variant has also been reported in a dilated cardiomyopathy (DCM) cohort (Verdonschot JAJ et al. Circ Genom Precis Med, 2020 Oct;13:476-487). This variant is considered to be rare based on population cohorts in the Genome Aggregation Database (gnomAD). This nucleotide position is highly conserved in available vertebrate species. In silico splice site analysis predicts that this alteration will weaken the native splice acceptor site and will result in the creation or strengthening of a novel splice acceptor site. In addition to the clinical data presented in the literature, alterations that disrupt the canonical splice site are expected to cause aberrant splicing, resulting in an abnormal protein or a transcript that is subject to nonsense-mediated mRNA decay. As such, this alteration is classified as likely pathogenic.

Dr. Peter K. Rogan Lab, Western University
No classification provided (evidence only). Condition: Hepatocellular carcinoma. Review status: no classification provided. Collection method: in vitro. Allele origin: not applicable. Functional consequence: skipped exon, retained intron. Not counted in ClinVar's aggregate classification.

Literature cited by the submitters: PubMed 27182706 (cited by Labcorp Genetics (formerly Invitae), Labcorp and Ambry Genetics); PubMed 32880476 (cited by Ambry Genetics).